The following is an entry in ClinVar:

NM_020778.5(ALPK3):c.3450_3451delinsCT (p.Leu1151Phe)

Gene: ALPK3 (alpha kinase 3; plus strand). Cytogenetic location: 15q25.3.
Variant type: Indel.
Coding change: c.3450_3451delinsCT on transcript NM_020778.5 (MANE Select); coding-DNA positions 3450 to 3451, TC replaced by CT.
Protein change: p.Leu1151Phe; replaces leucine 1151 with phenylalanine.
Molecular consequence: missense variant.
Genome position (GRCh38, 1-based): chr15:84,858,188-84,858,189, TC replaced by CT. VCF-style: chr15-84858188-TC-CT. GRCh37 (hg19) VCF-style: chr15-85401419-TC-CT.
Other names: short protein forms L1151F.
Identifiers: ClinVar variation 1518339 (VCV001518339.9), dbSNP rs2141569156, ClinGen allele CA2573151305.
Genomic context (GRCh38, chr15:84,858,188, plus strand): 5'-AGAGAGCATAGCCCAGGAGCCCTCCCAAGAGGAGAAGTTCCCAGGGGAGGCTCTGACAGG[TC>CT]TCCCGGCAGCTACACCTGAGGAACTGGCTCTAGGGGCCCGGAGGAAGAGATTTCTCCCTA-3'
Protein context (NP_065829.4, residues 1141-1161): EKFPGEALTG[Leu1151Phe]PAATPEELAL

ClinVar aggregate classification (germline): Uncertain significance. Review status: criteria provided, multiple submitters, no conflicts (2 of 4 stars). 2 submissions from 2 submitters: Uncertain significance (2). Last evaluated 2026-01-26.

Conditions:
Cardiovascular phenotype. Identifiers: MedGen CN230736.

Submissions (2):

Labcorp Genetics (formerly Invitae), Labcorp
Classification: Uncertain significance. Last evaluated: 2026-01-26. Review status: criteria provided, single submitter. Criteria: Invitae Variant Classification Sherloc (09022015). Collection method: clinical testing. Allele origin: germline.
Comment: This sequence change replaces leucine, which is neutral and non-polar, with phenylalanine, which is neutral and non-polar, at codon 1353 of the ALPK3 protein (p.Leu1353Phe). Information on the frequency of this variant in the gnomAD database is not available, as this variant may be reported differently in the database. This variant has not been reported in the literature in individuals affected with ALPK3-related conditions. ClinVar contains an entry for this variant (Variation ID: 1518339). Experimental studies and prediction algorithms are not available or were not evaluated, and the functional significance of this variant is currently unknown. In summary, the available evidence is currently insufficient to determine the role of this variant in disease. Therefore, it has been classified as a Variant of Uncertain Significance.

Ambry Genetics
Classification: Uncertain significance for Cardiovascular phenotype. Last evaluated: 2025-11-26. Review status: criteria provided, single submitter. Criteria: Ambry Variant Classification Scheme 2023. Collection method: clinical testing. Allele origin: germline.
Comment: The c.4056_4057delTCinsCT variant (also known as p.L1353F), located in coding exon 6 of the ALPK3 gene, results from an in-frame deletion of TC and insertion of CT at nucleotide positions 4056 to 4057. This results in the substitution of the leucine residue for a phenylalanine residue at codon 1353, an amino acid with highly similar properties. This amino acid position is well conserved in available vertebrate species. In addition, this alteration is predicted to be neutral by in silico analysis (Choi Y et al. PLoS ONE. 2012; 7(10):e46688). Since supporting evidence is limited at this time, the clinical significance of this alteration remains unclear.